The following is an entry in ClinVar:

ClinVar aggregate classification (germline): Uncertain significance (1 of 4 stars; one submission).

Conditions:
Candidiasis, familial, 9 (CANDF9). Identifiers: Orphanet 1334, MedGen C4225324, MONDO:0014642, OMIM 616445.

Submission:

Labcorp Genetics (formerly Invitae), Labcorp
Classification: Uncertain significance for Candidiasis, familial, 9. Last evaluated: 2022-02-10. Review status: criteria provided, single submitter. Criteria: Invitae Variant Classification Sherloc (09022015). Collection method: clinical testing. Allele origin: germline.
Comment: This sequence change creates a premature translational stop signal (p.Lys147Argfs*92) in the IL17RC gene. It is expected to result in an absent or disrupted protein product. However, the current clinical and genetic evidence is not sufficient to establish whether loss-of-function variants in IL17RC cause disease. This variant is not present in population databases (gnomAD no frequency). This variant has not been reported in the literature in individuals affected with IL17RC-related conditions. Experimental studies and prediction algorithms are not available or were not evaluated, and the functional significance of this variant is currently unknown. In summary, the available evidence is currently insufficient to determine the role of this variant in disease. Therefore, it has been classified as a Variant of Uncertain Significance.

NM_153460.4(IL17RC):c.227del (p.Lys76fs)

Gene: IL17RC (interleukin 17 receptor C; plus strand). Cytogenetic location: 3p25.3.
Variant type: Deletion.
Coding change: c.227del on transcript NM_153460.4 (MANE Select); coding-DNA position 227, one base deleted (A; older notation c.227delA).
Protein change: p.Lys76fs; shifts the reading frame from lysine 76.
Molecular consequence: frameshift variant. On other transcripts: non-coding transcript variant (1).
Genome position (GRCh38, 1-based): chr3:9,918,022, A deleted; the last of 2 consecutive A bases (chr3:9,918,021-9,918,022); deleting either gives the same sequence. VCF-style (leftmost placement, unchanged base first): chr3-9918020-GA-G. GRCh37 (hg19) VCF-style: chr3-9959704-GA-G.
Other names: c.227del, p.Lys76fs (NM_032732.6, NM_001203263.2, NM_001203264.2 and 4 more transcripts); c.440del, p.Lys147fs (NM_153461.4); short protein forms K147fs, K76fs.
Identifiers: ClinVar variation 1465833 (VCV001465833.6), dbSNP rs2083248205, ClinGen allele CA1344953814.
Genomic context (GRCh38, chr3:9,918,020, plus strand): 5'-TGCTCCGGGCCCCGTGCTGGCGCCTACGCACCTGCAGACAGAGCTGGTGCTGAGGTGCCA[GA>G]AGGAGACCGACTGTGACCTCTGTCTGCGTGTGGCTGTCCACTTGGCCGTGCATGGTGAGC-3'